The following is an entry in ClinVar:

ClinVar aggregate classification (germline): Pathogenic (1 of 4 stars; one submission).

Conditions:
Hereditary nonpolyposis colorectal neoplasms. Identifiers: MedGen C0009405, MeSH D003123.

Submission:

Labcorp Genetics (formerly Invitae), Labcorp
Classification: Pathogenic for Hereditary nonpolyposis colorectal neoplasms. Last evaluated: 2023-04-22. Review status: criteria provided, single submitter. Criteria: Invitae Variant Classification Sherloc (09022015). Collection method: clinical testing. Allele origin: germline.
Comment: This sequence change creates a premature translational stop signal (p.Trp106*) in the MSH6 gene. It is expected to result in an absent or disrupted protein product. Loss-of-function variants in MSH6 are known to be pathogenic (PMID: 18269114, 24362816). This variant is not present in population databases (gnomAD no frequency). This variant has not been reported in the literature in individuals affected with MSH6-related conditions. For these reasons, this variant has been classified as Pathogenic.

Literature cited by the submitters: PubMed 18269114; PubMed 24362816.

NM_000179.3(MSH6):c.317G>A (p.Trp106Ter)

Gene: MSH6 (mutS homolog 6; plus strand). Cytogenetic location: 2p16.3.
Variant type: single nucleotide variant.
Coding change: c.317G>A on transcript NM_000179.3 (MANE Select); coding-DNA position 317, G replaced by A.
Protein change: p.Trp106Ter; replaces tryptophan 106 with a stop codon.
Molecular consequence: nonsense. On other transcripts: 5 prime UTR variant (7), non-coding transcript variant (5), intron variant (6).
Genome position (GRCh38, 1-based): chr2:47,790,983, G>A. VCF-style: chr2-47790983-G-A. GRCh37 (hg19) VCF-style: chr2-48018122-G-A.
Other names: c.413G>A, p.Trp138Ter (NM_001406795.1, NM_001406802.1); c.317G>A, p.Trp106Ter (NM_001406796.1, NM_001406798.1, NM_001406800.1 and 6 more transcripts); c.20G>A, p.Trp7Ter (NM_001406797.1, NM_001406801.1, NM_001406821.1 and 10 more transcripts); c.239G>A, p.Trp80Ter (NM_001406804.1); c.-420G>A (NM_001406823.1, NM_001406829.1, NM_001281493.2 and 1 more transcripts); c.149G>A, p.Trp50Ter (NM_001406826.1); c.-280+13G>A (NM_001406812.1); c.-68-4911G>A (NM_001406799.1, NM_001406806.1); and 6 more; short protein forms W50*, W138*, W106*, W7*, W80*.
Identifiers: ClinVar variation 2858099 (VCV002858099.3), dbSNP rs2104101733, ClinGen allele CA346736873.
Genomic context (GRCh38, chr2:47,790,983, plus strand): 5'-ACAGTTGTGACTTCTCACCAGGAGATTTGGTTTGGGCCAAGATGGAGGGTTACCCCTGGT[G>A]GCCTTGTCTGGTTTACAACCACCCCTTTGATGGAACATTCATCCGCGAGAAAGGGAAATC-3'